The following is an entry in ClinVar:

NM_025132.4(WDR19):c.3640G>A (p.Ala1214Thr)

Gene: WDR19 (WD repeat domain 19; plus strand). Cytogenetic location: 4p14.
Variant type: single nucleotide variant.
Coding change: c.3640G>A on transcript NM_025132.4 (MANE Select); coding-DNA position 3640, G replaced by A.
Protein change: p.Ala1214Thr; replaces alanine 1214 with threonine.
Molecular consequence: missense variant.
Genome position (GRCh38, 1-based): chr4:39,274,882, G>A. VCF-style: chr4-39274882-G-A. GRCh37 (hg19) VCF-style: chr4-39276502-G-A.
Other names: c.3160G>A, p.Ala1054Thr (NM_001317924.2); short protein forms A1214T, A1054T.
Identifiers: ClinVar variation 1492153 (VCV001492153.7), dbSNP rs1206705962, ClinGen allele CA356649948.
Genomic context (GRCh38, chr4:39,274,882, plus strand): 5'-CTGACGTCAACTGTGATTGAGTGTCACAGGGCAGGCCTGAAGAACTCTGCTTTCAGCTTC[G>A]CAGCTATGTTGATGAGGCCTGAATACCGCAGCAAAATAGATGCCAAATACAAAAAGAAGA-3'
Protein context (NP_079408.3, residues 1204-1224): AGLKNSAFSF[Ala1214Thr]AMLMRPEYRS

ClinVar aggregate classification (germline): Uncertain significance. Review status: criteria provided, multiple submitters, no conflicts (2 of 4 stars). 2 submissions from 2 submitters: Uncertain significance (2). Last evaluated 2024-05-28.

Conditions:
Asphyxiating thoracic dystrophy 5 (SRTD5). Also called: SHORT-RIB THORACIC DYSPLASIA 5 WITH OR WITHOUT POLYDACTYLY; SHORT-RIB THORACIC DYSPLASIA 5 WITHOUT POLYDACTYLY. Identifiers: Orphanet 474, MedGen C3280598, MONDO:0013717, OMIM 614376.
Senior-Loken syndrome 8 (SLSN8). Identifiers: Orphanet 3156, MedGen C4225376, MONDO:0014579, OMIM 616307.

Allele frequency attached by ClinVar (database versions not stated): gnomAD exomes 0.00001; TOPMed 0.00002; gnomAD 0.00003.
gnomAD v4.1: 40 of 1,613,868 alleles (0.0025%); highest among the groups gnomAD compares: Middle Eastern, 0.016%; no homozygotes.

Submissions (2):

Blueprint Genetics
Classification: Uncertain significance. Last evaluated: 2024-05-28. Review status: criteria provided, single submitter. Criteria: ACMG Guidelines, 2015. Collection method: clinical testing. Allele origin: germline.

Labcorp Genetics (formerly Invitae), Labcorp
Classification: Uncertain significance for Senior-Loken syndrome 8; Asphyxiating thoracic dystrophy 5. Last evaluated: 2022-11-01. Review status: criteria provided, single submitter. Criteria: Invitae Variant Classification Sherloc (09022015). Collection method: clinical testing. Allele origin: germline.
Comment: In summary, the available evidence is currently insufficient to determine the role of this variant in disease. Therefore, it has been classified as a Variant of Uncertain Significance. Algorithms developed to predict the effect of missense changes on protein structure and function (SIFT, PolyPhen-2, Align-GVGD) all suggest that this variant is likely to be disruptive. ClinVar contains an entry for this variant (Variation ID: 1492153). This variant has not been reported in the literature in individuals affected with WDR19-related conditions. This variant is present in population databases (no rsID available, gnomAD 0.004%). This sequence change replaces alanine, which is neutral and non-polar, with threonine, which is neutral and polar, at codon 1214 of the WDR19 protein (p.Ala1214Thr).